The following is an entry in ClinVar:

NM_001879.6(MASP1):c.1488C>T (p.Leu496=)

Gene: MASP1 (MBL associated serine protease 1; minus strand). Cytogenetic location: 3q27.3.
Variant type: single nucleotide variant.
Coding change: c.1488C>T on transcript NM_001879.6 (MANE Plus Clinical); coding-DNA position 1488, C replaced by T.
Protein change: p.Leu496=; no amino-acid change (leucine 496 retained).
Molecular consequence: synonymous variant.
Genome position (GRCh38, 1-based): chr3:187,226,474, G>A on the plus strand (C>T on the coding strand, the complement: MASP1 is on the minus strand). VCF-style: chr3-187226474-G-A. GRCh37 (hg19) VCF-style: chr3-186944262-G-A.
Identifiers: ClinVar variation 3905833 (VCV003905833.10).

ClinVar aggregate classification (germline): Likely benign (1 of 4 stars; one submission).

gnomAD v4.1: 23 of 1,612,862 alleles (0.0014%); highest among the groups gnomAD compares: East Asian, 0.018%; no homozygotes.

Submission:

CeGaT Center for Human Genetics Tuebingen
Classification: Likely benign. Last evaluated: 2025-05-01. Review status: criteria provided, single submitter. Criteria: CeGaT Center For Human Genetics Tuebingen Variant Classification Criteria Version 2. Collection method: clinical testing. Allele origin: germline. Affected: yes. Observed: 1 variant allele.
Comment: MASP1: BP4, BP7